The following is an entry in ClinVar:

NM_015192.4(PLCB1):c.2239A>G (p.Ile747Val)

Gene: PLCB1 (phospholipase C beta 1; plus strand). Cytogenetic location: 20p12.3.
Variant type: single nucleotide variant.
Coding change: c.2239A>G on transcript NM_015192.4 (MANE Select); coding-DNA position 2239, A replaced by G.
Protein change: p.Ile747Val; replaces isoleucine 747 with valine.
Molecular consequence: missense variant.
Genome position (GRCh38, 1-based): chr20:8,739,291, A>G. VCF-style: chr20-8739291-A-G. GRCh37 (hg19) VCF-style: chr20-8719938-A-G.
Other names: c.2239A>G, p.Ile747Val (NM_182734.3); short protein forms I747V.
Identifiers: ClinVar variation 589890 (VCV000589890.5), dbSNP rs1349745410, ClinGen allele CA408207673.

ClinVar aggregate classification (germline): Uncertain significance (1 of 4 stars; one submission).

Conditions:
Inborn genetic diseases. Identifiers: MedGen C0950123, MeSH D030342.

Allele frequency attached by ClinVar (database versions not stated): gnomAD exomes 0.00001 and 0.00002; TOPMed 0.00001.

Submission:

Ambry Genetics
Classification: Uncertain significance for Inborn genetic diseases. Last evaluated: 2016-08-05. Review status: criteria provided, single submitter. Criteria: Ambry Variant Classification Scheme 2023. Collection method: clinical testing. Allele origin: germline.
Comment: The p.I747V variant (also known as c.2239A>G), located in coding exon 21 of the PLCB1 gene, results from an A to G substitution at nucleotide position 2239. The isoleucine at codon 747 is replaced by valine, an amino acid with highly similar properties. This variant was not reported in population based cohorts in the following databases: Database of Single Nucleotide Polymorphisms (dbSNP), NHLBI Exome Sequencing Project (ESP), and 1000 Genomes Project. In the ESP, this variant was not observed in 6503 samples (13006 alleles) with coverage at this position. This amino acid position is not well conserved in available vertebrate species. In addition, this alteration is predicted to be tolerated by in silico analysis. Since supporting evidence is limited at this time, the clinical significance of this alteration remains unclear.